The following is an entry in ClinVar:

NM_000755.5(CRAT):c.1528G>A (p.Ala510Thr)

Gene: CRAT (carnitine O-acetyltransferase; minus strand). Cytogenetic location: 9q34.11.
Variant type: single nucleotide variant.
Coding change: c.1528G>A on transcript NM_000755.5 (MANE Select); coding-DNA position 1528, G replaced by A.
Protein change: p.Ala510Thr; replaces alanine 510 with threonine.
Molecular consequence: missense variant.
Genome position (GRCh38, 1-based): chr9:129,096,135, C>T on the plus strand (G>A on the coding strand, the complement: CRAT is on the minus strand). VCF-style: chr9-129096135-C-T. GRCh37 (hg19) VCF-style: chr9-131858414-C-T.
Other names: c.1465G>A, p.Ala489Thr (NM_001257363.3, NM_001346548.2, NM_004003.4); c.1531G>A, p.Ala511Thr (NM_001346546.2); c.1528G>A, p.Ala510Thr (NM_001346547.2); c.1408G>A, p.Ala470Thr (NM_001346549.2); short protein forms A489T, A510T, A511T, A470T.
Identifiers: ClinVar variation 3674512 (VCV003674512.2).

ClinVar aggregate classification (germline): Uncertain significance (1 of 4 stars; one submission).

gnomAD v4.1: 3 of 1,612,758 alleles (0.00019%); highest among the groups gnomAD compares: East Asian, 0.0045%; no homozygotes.

Submission:

Labcorp Genetics (formerly Invitae), Labcorp
Classification: Uncertain significance. Last evaluated: 2024-08-20. Review status: criteria provided, single submitter. Criteria: Invitae Variant Classification Sherloc (09022015). Collection method: clinical testing. Allele origin: germline.
Comment: This sequence change replaces alanine, which is neutral and non-polar, with threonine, which is neutral and polar, at codon 510 of the CRAT protein (p.Ala510Thr). This variant is present in population databases (no rsID available, gnomAD 0.02%). This variant has not been reported in the literature in individuals affected with CRAT-related conditions. An algorithm developed to predict the effect of missense changes on protein structure and function (PolyPhen-2) suggests that this variant is likely to be tolerated. In summary, the available evidence is currently insufficient to determine the role of this variant in disease. Therefore, it has been classified as a Variant of Uncertain Significance.